The following is an entry in ClinVar:

ClinVar aggregate classification (germline): Uncertain significance (1 of 4 stars; one submission).

Submission:

Labcorp Genetics (formerly Invitae), Labcorp
Classification: Uncertain significance. Last evaluated: 2025-11-06. Review status: criteria provided, single submitter. Criteria: Invitae Variant Classification Sherloc (09022015). Collection method: clinical testing. Allele origin: germline.
Comment: This sequence change replaces glutamic acid, which is acidic and polar, with lysine, which is basic and polar, at codon 241 of the TAOK2 protein (p.Glu241Lys). This variant is not present in population databases (gnomAD no frequency). This variant has not been reported in the literature in individuals affected with TAOK2-related conditions. An algorithm developed to predict the effect of missense changes on protein structure and function (PolyPhen-2) suggests that this variant is likely to be tolerated. In summary, the available evidence is currently insufficient to determine the role of this variant in disease. Therefore, it has been classified as a Variant of Uncertain Significance.

NM_016151.4(TAOK2):c.721G>A (p.Glu241Lys)

Gene: TAOK2 (TAO kinase 2; plus strand). Cytogenetic location: 16p11.2.
Variant type: single nucleotide variant.
Coding change: c.721G>A on transcript NM_016151.4 (MANE Select); coding-DNA position 721, G replaced by A.
Protein change: p.Glu241Lys; replaces glutamic acid 241 with lysine.
Molecular consequence: missense variant.
Genome position (GRCh38, 1-based): chr16:29,981,726, G>A. VCF-style: chr16-29981726-G-A. GRCh37 (hg19) VCF-style: chr16-29993047-G-A.
Other names: c.721G>A, p.Glu241Lys (NM_001252043.2, NM_004783.4); short protein forms E241K.
Identifiers: ClinVar variation 4726677 (VCV004726677.1).